The following is an entry in ClinVar:

NM_001211.6(BUB1B):c.1977C>G (p.Ile659Met)

Gene: BUB1B (BUB1 mitotic checkpoint serine/threonine kinase B; plus strand). Cytogenetic location: 15q15.1.
Variant type: single nucleotide variant.
Coding change: c.1977C>G on transcript NM_001211.6 (MANE Select); coding-DNA position 1977, C replaced by G.
Protein change: p.Ile659Met; replaces isoleucine 659 with methionine.
Molecular consequence: missense variant.
Genome position (GRCh38, 1-based): chr15:40,206,426, C>G. VCF-style: chr15-40206426-C-G. GRCh37 (hg19) VCF-style: chr15-40498627-C-G.
Other names: short protein forms I659M.
Identifiers: ClinVar variation 1783725 (VCV001783725.2), dbSNP rs992499879, ClinGen allele CA391692856.
Genomic context (GRCh38, chr15:40,206,426, plus strand): 5'-ACCGGAAGAAGATCTAGATGTAAAGACCTCTGAGGACCAGCAGACAGCTTGTGGCACTAT[C>G]TACAGTCAGACTCTCAGCATCAAGAAGCTGAGGTGATTGGGGATTTACAGGTTTTACAAA-3'
Protein context (NP_001202.5, residues 649-669): SEDQQTACGT[Ile659Met]YSQTLSIKKL

ClinVar aggregate classification (germline): Uncertain significance (1 of 4 stars; one submission).

Conditions:
Inborn genetic diseases. Identifiers: MedGen C0950123, MeSH D030342.

Submission:

Ambry Genetics
Classification: Uncertain significance for Inborn genetic diseases. Last evaluated: 2022-07-11. Review status: criteria provided, single submitter. Criteria: Ambry Variant Classification Scheme 2023. Collection method: clinical testing. Allele origin: germline.
Comment: The p.I659M variant (also known as c.1977C>G), located in coding exon 15 of the BUB1B gene, results from a C to G substitution at nucleotide position 1977. The isoleucine at codon 659 is replaced by methionine, an amino acid with highly similar properties. This amino acid position is conserved. In addition, this alteration is predicted to be tolerated by in silico analysis. Since supporting evidence is limited at this time, the clinical significance of this alteration remains unclear.